The following is an entry in ClinVar:

NM_000081.4(LYST):c.7066G>C (p.Asp2356His)

Gene: LYST (lysosomal trafficking regulator; minus strand). Cytogenetic location: 1q42.3.
Variant type: single nucleotide variant.
Coding change: c.7066G>C on transcript NM_000081.4 (MANE Select); coding-DNA position 7066, G replaced by C.
Protein change: p.Asp2356His; replaces aspartic acid 2356 with histidine.
Molecular consequence: missense variant.
Genome position (GRCh38, 1-based): chr1:235,755,641, C>G on the plus strand (G>C on the coding strand, the complement: LYST is on the minus strand). VCF-style: chr1-235755641-C-G. GRCh37 (hg19) VCF-style: chr1-235918941-C-G.
Other names: c.7066G>C, p.Asp2356His (NM_001301365.1); short protein forms D2356H.
Identifiers: ClinVar variation 2048451 (VCV002048451.1), dbSNP rs1558194943, ClinGen allele CA344935459.

ClinVar aggregate classification (germline): Uncertain significance (1 of 4 stars; one submission).

Conditions:
Chédiak-Higashi syndrome (CHS). Also called: Chediak-Higashi Syndrome. Identifiers: Orphanet 167, MedGen C0007965, MONDO:0008963, OMIM 214500.

Allele frequency attached by ClinVar (database versions not stated): gnomAD exomes below 0.00001.
gnomAD v4.1: 4 of 1,595,410 alleles (0.00025%); highest among the groups gnomAD compares: Non-Finnish European, 0.00034%; no homozygotes.

Submission:

Labcorp Genetics (formerly Invitae), Labcorp
Classification: Uncertain significance for Chédiak-Higashi syndrome. Last evaluated: 2022-02-01. Review status: criteria provided, single submitter. Criteria: Invitae Variant Classification Sherloc (09022015). Collection method: clinical testing. Allele origin: germline.
Comment: This sequence change replaces aspartic acid, which is acidic and polar, with histidine, which is basic and polar, at codon 2356 of the LYST protein (p.Asp2356His). This variant is not present in population databases (gnomAD no frequency). This variant has not been reported in the literature in individuals affected with LYST-related conditions. Algorithms developed to predict the effect of missense changes on protein structure and function output the following: SIFT: "Tolerated"; PolyPhen-2: "Benign"; Align-GVGD: "Class C0". The histidine amino acid residue is found in multiple mammalian species, which suggests that this missense change does not adversely affect protein function. In summary, the available evidence is currently insufficient to determine the role of this variant in disease. Therefore, it has been classified as a Variant of Uncertain Significance.